The following is an entry in ClinVar:

NM_000393.5(COL5A2):c.906+9A>G

Gene: COL5A2 (collagen type V alpha 2 chain; minus strand). Cytogenetic location: 2q32.2.
Variant type: single nucleotide variant.
Coding change: c.906+9A>G on transcript NM_000393.5 (MANE Select); 9 bases into the intron after coding-DNA position 906, A replaced by G.
Molecular consequence: intron variant.
Genome position (GRCh38, 1-based): chr2:189,080,981, T>C on the plus strand (A>G on the coding strand, the complement: COL5A2 is on the minus strand). VCF-style: chr2-189080981-T-C. GRCh37 (hg19) VCF-style: chr2-189945707-T-C.
Other names: c.906+9A>G (NM_000393.4).
Identifiers: ClinVar variation 698570 (VCV000698570.16), dbSNP rs761662868, ClinGen allele CA2022912.
Genomic context (GRCh38, chr2:189,080,981, plus strand): 5'-AGGTAAATCTCCCCAGAGCCTGTTCACTAAACCACAGTATCTGAGAGGATTACAATAGAT[T>C]GAACTTACTCGGTGACCCTTCAGACCTGGAAGACCAGGAGCCCCAGGAAATCCACGAGCT-3'

ClinVar aggregate classification (germline): Benign/Likely benign. Review status: criteria provided, multiple submitters, no conflicts (2 of 4 stars). 4 submissions from 4 submitters: Benign (1); Likely benign (2). 1 of the submissions does not count toward it. Last evaluated 2026-01-28.

Conditions:
Ehlers-Danlos syndrome, classic type, 1 (EDSCL1). Also called: EDS I; EHLERS-DANLOS SYNDROME, GRAVIS TYPE; EHLERS-DANLOS SYNDROME, SEVERE CLASSIC TYPE; Ehlers-Danlos Syndrome, Classic Type, COL5A1-Related; Ehlers-Danlos syndrome, type 1. Identifiers: MedGen C0268335, MONDO:0019567, OMIM 130000.
COL5A2-related disorder. Also called: COL5A2-related condition.
Ehlers-Danlos syndrome, classic type, 2 (EDSCL2). Also called: Ehlers-Danlos Syndrome, Classic Type, COL5A2-Related; Ehlers-Danlos syndrome, type 2; Ehlers-Danlos syndrome type 2 (formerly). Identifiers: Orphanet 287, Orphanet 90318, MedGen C0268336, MONDO:0019568, OMIM 130010.

Allele frequency attached by ClinVar (database versions not stated): gnomAD exomes 0.00005 and 0.00009; gnomAD 0.00011 and 0.00010; ExAC 0.00007; TOPMed 0.00012.
gnomAD v4.1: 145 of 1,611,468 alleles (0.009%); highest among the groups gnomAD compares: African/African-American, 0.024%; no homozygotes.

Submissions (4):

Labcorp Genetics (formerly Invitae), Labcorp
Classification: Likely benign for Ehlers-Danlos syndrome, classic type, 1. Last evaluated: 2026-01-28. Review status: criteria provided, single submitter. Criteria: Invitae Variant Classification Sherloc (09022015). Collection method: clinical testing. Allele origin: germline.

Women's Health and Genetics/Laboratory Corporation of America, LabCorp
Classification: Benign. Last evaluated: 2023-07-21. Review status: criteria provided, single submitter. Criteria: LabCorp Variant Classification Summary - May 2015. Collection method: clinical testing. Allele origin: germline.

Center for Genomics, Ann and Robert H. Lurie Children's Hospital of Chicago
Classification: Likely benign for Ehlers-Danlos syndrome, classic type, 2. Last evaluated: 2021-03-30. Review status: criteria provided, single submitter. Criteria: ACMG Guidelines, 2015. Collection method: clinical testing. Allele origin: germline.
Comment: COL5A2 NM_000393.4 exon 13 c.906+9A>G: This variant has not been reported in the literature but is present in 0.01% (8/41404) of African alleles in the Genome Aggregation Database. This variant is present in ClinVar (Variation ID:698570). Evolutionary conservation and computational predictive tools for this variant are limited or unavailable. Although this variant occurs in the splice region, computational prediction tools do not suggest that it alters splicing. However, further studies are needed to understand its impact. In summary, data on this variant suggests that this variant does not cause disease, but requires further evidence. Therefore this variant is classified as likely benign.

PreventionGenetics, part of Exact Sciences
Classification: Likely benign for COL5A2-related condition. Last evaluated: 2020-06-18. Review status: no assertion criteria provided. Collection method: clinical testing. Allele origin: germline. Not counted in ClinVar's aggregate classification.
Comment: This variant is classified as likely benign based on ACMG/AMP sequence variant interpretation guidelines (Richards et al. 2015 PMID: 25741868, with internal and published modifications).